The following is an entry in ClinVar:

NM_000709.4(BCKDHA):c.1238A>G (p.Tyr413Cys)

Gene: BCKDHA (branched chain keto acid dehydrogenase E1 subunit alpha; plus strand). Cytogenetic location: 19q13.2.
Variant type: single nucleotide variant.
Coding change: c.1238A>G on transcript NM_000709.4 (MANE Select); coding-DNA position 1238, A replaced by G.
Protein change: p.Tyr413Cys; replaces tyrosine 413 with cysteine.
Molecular consequence: missense variant.
Genome position (GRCh38, 1-based): chr19:41,424,508, A>G. VCF-style: chr19-41424508-A-G. GRCh37 (hg19) VCF-style: chr19-41930413-A-G.
Other names: c.1235A>G, p.Tyr412Cys (NM_001164783.2); c.1238A>G (NM_000709.3); short protein forms Y412C, Y413C.
Identifiers: ClinVar variation 2680119 (VCV002680119.3), dbSNP rs2513462327, ClinGen allele CA406015395.

ClinVar aggregate classification (germline): Likely pathogenic. Review status: criteria provided, multiple submitters, no conflicts (2 of 4 stars). 3 submissions from 3 submitters: Likely pathogenic (3). Last evaluated 2026-03-26.

Conditions:
Maple syrup urine disease type 1A (MSUD1A). Also called: MSUD type 1A. Identifiers: MedGen C1855369, MONDO:0023691, OMIM 248600.
Maple syrup urine disease (MSUD). Identifiers: Orphanet 511, MedGen C0024776, MeSH D008375, MONDO:0009563. Disease mechanism: loss of function.

gnomAD v4.1: 7 of 1,614,144 alleles (0.00043%); highest among the groups gnomAD compares: Non-Finnish European, 0.00059%; no homozygotes.

Submissions (3):

Myriad Genetics, Inc.
Classification: Likely pathogenic for Maple syrup urine disease type 1A. Last evaluated: 2026-03-26. Review status: criteria provided, single submitter. Criteria: Myriad Autosomal Dominant, Autosomal Recessive and X-Linked Classification Criteria (2023). Collection method: clinical testing. Allele origin: unknown.
Comment: NM_000709.3(BCKDHA):c.1238A>G(Y413C) is a missense variant classified as likely pathogenic in the context of maple syrup urine disease type Ia. Y413C has been observed in a case with relevant disease (PMID: 8037208). Relevant functional assessments of this variant are available in the literature (PMID: 8037208). Y413C has not been observed in referenced population frequency databases. In summary, NM_000709.3(BCKDHA):c.1238A>G(Y413C) is a missense variant that has functional support for pathogenicity and has been observed more frequently in cases with the relevant disease than in healthy populations. Please note: this variant was assessed in the context of healthy population screening.

Natera, Inc.
Classification: Likely pathogenic for Maple syrup urine disease type 1A. Last evaluated: 2024-04-15. Review status: criteria provided, single submitter. Criteria: Natera Variant Classification Schema (03/2026). Collection method: clinical testing. Allele origin: germline.
Comment: The c.1238A>G variant in BCKDHA is a missense variant predicted to cause substitution of tyrosine to cysteine at amino acid 413. This variant is rare in the general population with a frequency below the threshold expected for the associated phenotype(s). This variant has been observed in one or more individuals affected with the associated recessive disease, as either homozygous or compound heterozygous with a second variant (PMID: 8037208). Functional studies show that this variant may disrupt protein function (PMID: 8037208). Computational prediction algorithms indicate this variant is likely to affect gene or protein function. Given the available evidence, this variant is classified as Likely Pathogenic.

Baylor Genetics
Classification: Likely pathogenic for Maple syrup urine disease type 1A. Last evaluated: 2023-03-30. Review status: criteria provided, single submitter. Criteria: ACMG Guidelines, 2015. Collection method: clinical testing. Allele origin: unknown.

Literature cited by the submitters: PubMed 8037208 (cited by Myriad Genetics, Inc. and Natera, Inc.).